The following is an entry in ClinVar:

ClinVar aggregate classification (germline): Pathogenic/Likely pathogenic. Review status: criteria provided, multiple submitters, no conflicts (2 of 4 stars). 2 submissions from 2 submitters: Pathogenic (1); Likely pathogenic (1). Last evaluated 2022-10-21.

Conditions:
Early-infantile DEE. Also called: Early infantile epileptic encephalopathy; Early infantile epileptic encephalopathy with suppression bursts; Ohtahara syndrome. Identifiers: Orphanet 1934, MedGen C0393706, MONDO:0800491.

Submissions (2):

Labcorp Genetics (formerly Invitae), Labcorp
Classification: Pathogenic for Early-infantile DEE. Last evaluated: 2022-10-21. Review status: criteria provided, single submitter. Criteria: Invitae Variant Classification Sherloc (09022015). Collection method: clinical testing. Allele origin: germline.
Comment: ClinVar contains an entry for this variant (Variation ID: 524140). For these reasons, this variant has been classified as Pathogenic. This variant has not been reported in the literature in individuals affected with KCNQ2-related conditions. This variant is not present in population databases (gnomAD no frequency). This sequence change creates a premature translational stop signal (p.Gln286Profs*45) in the KCNQ2 gene. It is expected to result in an absent or disrupted protein product. Loss-of-function variants in KCNQ2 are known to be pathogenic (PMID: 14534157, 23692823, 27779742).

GeneDx
Classification: Likely pathogenic. Last evaluated: 2018-04-25. Review status: criteria provided, single submitter. Criteria: GeneDx Variant Classification (06012015). Collection method: clinical testing. Allele origin: germline. Affected: yes.
Comment: A variant that is likely pathogenic has been identified in the KCNQ2 gene. The c.856dupC variant has not been published as a pathogenic variant, nor has it been reported as a benign variant to our knowledge. The c.856dupC variant causes a frameshift starting with codon Glutamine 286, changes this amino acid to a Proline residue and creates a premature Stop codon at position 45 of the new reading frame, denoted p.Gln286ProfsX45. This variant is predicted to cause loss of normal protein function either through protein truncation or nonsense-mediated mRNA decay. The c.856dupC variant is not observed in large population cohorts (Lek et al., 2016). Additionally, other loss-of-function variants downstream of this position have been reported in the Human Gene Mutation Database in individuals with KCNQ2-related disorders (Stenson et al., 2014). Therefore, this variant is likely pathogenic; however, the possibility that it is benign cannot be excluded.

Literature cited by the submitters: PubMed 14534157 (cited by Labcorp Genetics (formerly Invitae), Labcorp); PubMed 23692823 (cited by Labcorp Genetics (formerly Invitae), Labcorp); PubMed 27779742 (cited by Labcorp Genetics (formerly Invitae), Labcorp).

NM_172107.4(KCNQ2):c.856dup (p.Gln286fs)

Gene: KCNQ2 (potassium voltage-gated channel subfamily Q member 2; minus strand). Cytogenetic location: 20q13.33.
Variant type: Duplication.
Coding change: c.856dup on transcript NM_172107.4 (MANE Select); coding-DNA position 856, one base duplicated (C; older notation c.856dupC).
Protein change: p.Gln286fs; shifts the reading frame from glutamine 286.
Molecular consequence: frameshift variant.
Genome position (GRCh38, 1-based): chr20:63,439,669, G duplicated on the plus strand (C on the coding strand, the reverse complement: KCNQ2 is on the minus strand); the first of 5 consecutive G bases (chr20:63,439,669-63,439,673); duplicating any one gives the same sequence. VCF-style (leftmost placement, unchanged base first): chr20-63439668-T-TG. GRCh37 (hg19) VCF-style: chr20-62071021-T-TG.
Other names: c.856dup, p.Gln286fs (NM_004518.6, NM_172106.3, NM_172108.5 and 1 more transcripts); short protein forms Q286fs.
Identifiers: ClinVar variation 524140 (VCV000524140.6), dbSNP rs1555870470, ClinGen allele CA658799387.